The following is an entry in ClinVar:

NM_001371596.2(MFSD8):c.1417A>G (p.Ser473Gly)

Gene: MFSD8 (major facilitator superfamily domain containing 8; minus strand). Cytogenetic location: 4q28.2.
Variant type: single nucleotide variant.
Coding change: c.1417A>G on transcript NM_001371596.2 (MANE Select); coding-DNA position 1417, A replaced by G.
Protein change: p.Ser473Gly; replaces serine 473 with glycine.
Molecular consequence: missense variant.
Genome position (GRCh38, 1-based): chr4:127,920,770, T>C on the plus strand (A>G on the coding strand, the complement: MFSD8 is on the minus strand). VCF-style: chr4-127920770-T-C. GRCh37 (hg19) VCF-style: chr4-128841925-T-C.
Other names: c.1216A>G, p.Ser406Gly (NM_001363520.3); c.1102A>G, p.Ser368Gly (NM_001363521.3); c.1282A>G, p.Ser428Gly (NM_001371590.2); c.1426A>G, p.Ser476Gly (NM_001371591.2); c.1423A>G, p.Ser475Gly (NM_001371592.2); c.1303A>G, p.Ser435Gly (NM_001371593.2); c.1270A>G, p.Ser424Gly (NM_001371594.2); c.1135A>G, p.Ser379Gly (NM_001371595.1); and 3 more; short protein forms S368G, S379G, S424G, S428G, S435G, S473G, S406G, S475G.
Identifiers: ClinVar variation 1521824 (VCV001521824.6), dbSNP rs1736228639, ClinGen allele CA358170737.

ClinVar aggregate classification (germline): Uncertain significance (1 of 4 stars; one submission).

Conditions:
Neuronal ceroid lipofuscinosis 7 (CLN7). Also called: MFSD8-Related Neuronal Ceroid-Lipofuscinosis. Identifiers: Orphanet 168491, Orphanet 228366, MedGen C1838571, MONDO:0012588, OMIM 610951.

Allele frequency attached by ClinVar (database versions not stated): TOPMed below 0.00001.

Submission:

Labcorp Genetics (formerly Invitae), Labcorp
Classification: Uncertain significance for Neuronal ceroid lipofuscinosis 7. Last evaluated: 2021-09-01. Review status: criteria provided, single submitter. Criteria: Invitae Variant Classification Sherloc (09022015). Collection method: clinical testing. Allele origin: germline.
Comment: This sequence change replaces serine with glycine at codon 473 of the MFSD8 protein (p.Ser473Gly). The serine residue is highly conserved and there is a small physicochemical difference between serine and glycine. This variant is not present in population databases (ExAC no frequency). This variant has not been reported in the literature in individuals affected with MFSD8-related conditions. Algorithms developed to predict the effect of missense changes on protein structure and function are either unavailable or do not agree on the potential impact of this missense change (SIFT: "Tolerated"; PolyPhen-2: "Possibly Damaging"; Align-GVGD: "Class C0"). In summary, the available evidence is currently insufficient to determine the role of this variant in disease. Therefore, it has been classified as a Variant of Uncertain Significance.